The following is an entry in ClinVar:

ClinVar aggregate classification (germline): Uncertain significance. Review status: criteria provided, multiple submitters, no conflicts (2 of 4 stars). 2 submissions from 2 submitters: Uncertain significance (2). Last evaluated 2025-10-05.

Conditions:
Cardiovascular phenotype. Identifiers: MedGen CN230736.

Allele frequency attached by ClinVar (database versions not stated): gnomAD 0.00001; gnomAD exomes 0.00002; TOPMed below 0.00001; ExAC 0.00003.
gnomAD v4.1: 25 of 1,613,218 alleles (0.0015%); highest among the groups gnomAD compares: Non-Finnish European, 0.0019%; no homozygotes.

Submissions (2):

Ambry Genetics
Classification: Uncertain significance for Cardiovascular phenotype. Last evaluated: 2025-10-05. Review status: criteria provided, single submitter. Criteria: Ambry Variant Classification Scheme 2023. Collection method: clinical testing. Allele origin: germline.
Comment: The p.D2354G variant (also known as c.7061A>G), located in coding exon 19 of the TNXB gene, results from an A to G substitution at nucleotide position 7061. The aspartic acid at codon 2354 is replaced by glycine, an amino acid with similar properties. This amino acid position is conserved. In addition, this alteration is predicted to be tolerated by in silico analysis. Since supporting evidence is limited at this time, the clinical significance of this alteration remains unclear.

Women's Health and Genetics/Laboratory Corporation of America, LabCorp
Classification: Uncertain significance. Last evaluated: 2024-12-17. Review status: criteria provided, single submitter. Criteria: LabCorp Variant Classification Summary - May 2015. Collection method: clinical testing. Allele origin: germline.
Comment: Variant summary: TNXB c.7061A>G (p.Asp2354Gly) results in a non-conservative amino acid change located in the fibronectin type-III domain (IPR003961) of the encoded protein sequence. Two of four in-silico tools predict a benign effect of the variant on protein function. The variant allele was found at a frequency of 1.5e-05 in 1613218 control chromosomes, predominantly at a frequency of 1.9e-05 within the Non-Finnish European subpopulation in the gnomAD database. This frequency is not significantly higher than estimated for a pathogenic variant in TNXB causing Ehlers-Danlos syndrome due to tenascin-X deficiency (1.5e-05 vs 0.0011), allowing no conclusion about variant significance. To our knowledge, no occurrence of c.7061A>G in individuals affected with Ehlers-Danlos syndrome due to tenascin-X deficiency and no experimental evidence demonstrating its impact on protein function have been reported. ClinVar contains an entry for this variant (Variation ID: 1756957). Based on the evidence outlined above, the variant was classified as uncertain significance.

NM_001365276.2(TNXB):c.7061A>G (p.Asp2354Gly)

Gene: TNXB (tenascin XB; minus strand). Cytogenetic location: 6p21.33.
Variant type: single nucleotide variant.
Coding change: c.7061A>G on transcript NM_001365276.2 (MANE Select); coding-DNA position 7061, A replaced by G.
Protein change: p.Asp2354Gly; replaces aspartic acid 2354 with glycine.
Molecular consequence: missense variant.
Genome position (GRCh38, 1-based): chr6:32,062,264, T>C on the plus strand (A>G on the coding strand, the complement: TNXB is on the minus strand). VCF-style: chr6-32062264-T-C. GRCh37 (hg19) VCF-style: chr6-32030041-T-C.
Other names: c.7061A>G, p.Asp2354Gly (NM_019105.8); short protein forms D2354G.
Identifiers: ClinVar variation 1756957 (VCV001756957.5), dbSNP rs776422892, ClinGen allele CA3734266.